The following is an entry in ClinVar:

NM_001080517.3(SETD5):c.2559A>G (p.Pro853=)

Gene: SETD5 (SET domain containing 5; plus strand). Cytogenetic location: 3p25.3.
Variant type: single nucleotide variant.
Coding change: c.2559A>G on transcript NM_001080517.3 (MANE Select); coding-DNA position 2559, A replaced by G.
Protein change: p.Pro853=; no amino-acid change (proline 853 retained).
Molecular consequence: synonymous variant.
Genome position (GRCh38, 1-based): chr3:9,464,507, A>G. VCF-style: chr3-9464507-A-G. GRCh37 (hg19) VCF-style: chr3-9506191-A-G.
Other names: c.2265A>G, p.Pro755= (NM_001292043.2, NM_001349451.2).
Identifiers: ClinVar variation 3390226 (VCV003390226.14).

ClinVar aggregate classification (germline): Likely benign (1 of 4 stars; one submission).

gnomAD v4.1: 14 of 1,614,056 alleles (0.00087%); highest among the groups gnomAD compares: Non-Finnish European, 0.0012%; no homozygotes.

Submission:

CeGaT Center for Human Genetics Tuebingen
Classification: Likely benign. Last evaluated: 2024-11-01. Review status: criteria provided, single submitter. Criteria: CeGaT Center For Human Genetics Tuebingen Variant Classification Criteria Version 2. Collection method: clinical testing. Allele origin: germline. Affected: yes. Observed: 1 variant allele.
Comment: SETD5: BP4, BP7